The following is an entry in ClinVar:

NM_173598.6(KSR2):c.1121C>T (p.Pro374Leu)

Gene: KSR2 (kinase suppressor of ras 2; minus strand). Cytogenetic location: 12q24.22.
Variant type: single nucleotide variant.
Coding change: c.1121C>T on transcript NM_173598.6 (MANE Select); coding-DNA position 1121, C replaced by T.
Protein change: p.Pro374Leu; replaces proline 374 with leucine.
Molecular consequence: missense variant.
Genome position (GRCh38, 1-based): chr12:117,667,524, G>A on the plus strand (C>T on the coding strand, the complement: KSR2 is on the minus strand). VCF-style: chr12-117667524-G-A. GRCh37 (hg19) VCF-style: chr12-118105329-G-A.
Other names: short protein forms P374L.
Identifiers: ClinVar variation 3347850 (VCV003347850.1).

ClinVar aggregate classification (germline): Uncertain significance (0 of 4 stars; one submission).

Conditions:
KSR2-related disorder. Also called: KSR2-related condition.

Submission:

PreventionGenetics, part of Exact Sciences
Classification: Uncertain significance for KSR2-related condition. Last evaluated: 2024-08-23. Review status: no assertion criteria provided. Collection method: clinical testing. Allele origin: germline.
Comment: The KSR2 c.1034C>T variant is predicted to result in the amino acid substitution p.Pro345Leu. To our knowledge, this variant has not been reported in the literature or in a large population database, indicating this variant is rare. At this time, the clinical significance of this variant is uncertain due to the absence of conclusive functional and genetic evidence.